The following is an entry in ClinVar:

ClinVar aggregate classification (germline): Uncertain significance (1 of 4 stars; one submission).

Conditions:
Dyskeratosis congenita. Identifiers: Orphanet 1775, MedGen C0265965, MONDO:0015780.

Allele frequency attached by ClinVar (database versions not stated): gnomAD 0.00001; TOPMed 0.00002.

Submission:

Labcorp Genetics (formerly Invitae), Labcorp
Classification: Uncertain significance for Dyskeratosis congenita. Last evaluated: 2023-04-10. Review status: criteria provided, single submitter. Criteria: Invitae Variant Classification Sherloc (09022015). Collection method: clinical testing. Allele origin: germline.
Comment: In summary, the available evidence is currently insufficient to determine the role of this variant in disease. Therefore, it has been classified as a Variant of Uncertain Significance. An algorithm developed to predict the effect of missense changes on protein structure and function (PolyPhen-2) suggests that this variant is likely to be tolerated. ClinVar contains an entry for this variant (Variation ID: 1010225). This variant has not been reported in the literature in individuals affected with TINF2-related conditions. This variant is present in population databases (rs750745512, gnomAD 0.002%). This sequence change replaces cysteine, which is neutral and slightly polar, with tyrosine, which is neutral and polar, at codon 332 of the TINF2 protein (p.Cys332Tyr).

NM_001099274.3(TINF2):c.995G>A (p.Cys332Tyr)

Gene: TINF2 (TERF1 interacting nuclear factor 2; minus strand). Cytogenetic location: 14q12.
Variant type: single nucleotide variant.
Coding change: c.995G>A on transcript NM_001099274.3 (MANE Select); coding-DNA position 995, G replaced by A.
Protein change: p.Cys332Tyr; replaces cysteine 332 with tyrosine.
Molecular consequence: missense variant.
Genome position (GRCh38, 1-based): chr14:24,240,485, C>T on the plus strand (G>A on the coding strand, the complement: TINF2 is on the minus strand). VCF-style: chr14-24240485-C-T. GRCh37 (hg19) VCF-style: chr14-24709691-C-T.
Other names: c.890G>A, p.Cys297Tyr (NM_001363668.2); c.995G>A, p.Cys332Tyr (NM_012461.3); short protein forms C297Y, C332Y.
Identifiers: ClinVar variation 1010225 (VCV001010225.8), dbSNP rs750745512, ClinGen allele CA7130536.